The following is an entry in ClinVar:

ClinVar aggregate classification (germline): Uncertain significance. Review status: criteria provided, multiple submitters, no conflicts (2 of 4 stars). 2 submissions from 2 submitters: Uncertain significance (2). Last evaluated 2026-09-01.

Conditions:
Hypophosphatasia. Also called: Phosphoethanol-aminuria. Identifiers: Orphanet 436, MedGen C0020630, MeSH D007014, MONDO:0018570.

Submissions (2):

Genomenon, Inc
Classification: Uncertain significance for Hypophosphatasia. Last evaluated: 2026-09-01. Review status: criteria provided, single submitter. Criteria: Genomenon Sequence Variant Interpretation Standards - Updated. Collection method: curation. Allele origin: germline. Affected: no.
Comment: ALPL p.Asn145Asp (c.433A>G) is a missense variant that changes the amino acid at codon 145 from Asparagine to Aspartic acid. This variant has been reported in the published literature (PMID:40386289). It is absent or not present at a significant frequency in gnomAD. In silico models predict that this variant is possibly or probably damaging. In conclusion, we classify ALPL p.Asn145Asp (c.433A>G) as a variant of uncertain significance.

JKU Lab, Dept of Paediatrics, Johannes Kepler University
Classification: Uncertain significance for Hypophosphatasia. Last evaluated: 2022-07-20. Review status: criteria provided, single submitter. Criteria: ACMG Guidelines, 2015. Collection method: clinical testing. Allele origin: germline. Affected: yes.

Literature cited by the submitters: PubMed 40386289 (cited by Genomenon, Inc).

NM_000478.6(ALPL):c.433A>G (p.Asn145Asp)

Gene: ALPL (alkaline phosphatase, biomineralization associated; plus strand). Cytogenetic location: 1p36.12.
Variant type: single nucleotide variant.
Coding change: c.433A>G on transcript NM_000478.6 (MANE Select); coding-DNA position 433, A replaced by G.
Protein change: p.Asn145Asp; replaces asparagine 145 with aspartic acid.
Molecular consequence: missense variant.
Genome position (GRCh38, 1-based): chr1:21,563,245, A>G. VCF-style: chr1-21563245-A-G. GRCh37 (hg19) VCF-style: chr1-21889738-A-G.
Other names: c.268A>G, p.Asn90Asp (NM_001127501.4); c.202A>G, p.Asn68Asp (NM_001177520.3); c.433A>G, p.Asn145Asp (NM_001369803.2, NM_001369804.2, NM_001369805.2); short protein forms N145D, N68D, N90D.
Identifiers: ClinVar variation 1697972 (VCV001697972.3), dbSNP rs2148158880, ClinGen allele CA338877321.
Genomic context (GRCh38, chr1:21,563,245, plus strand): 5'-GAGGGCACCGTGGGGGTAAGCGCAGCCACTGAGCGTTCCCGGTGCAACACCACCCAGGGG[A>G]ACGAGGTCACCTCCATCCTGCGCTGGGCCAAGGACGCTGGTGAGTCGGGGGAGCAGTGGG-3'
Protein context (NP_000469.3, residues 135-155): ERSRCNTTQG[Asn145Asp]EVTSILRWAK